The following is an entry in ClinVar:

NC_000007.14:g.156795993C>G

Genes: LMBR1 (limb development membrane protein 1; minus strand), SHH (sonic hedgehog signaling molecule; minus strand). Cytogenetic location: 7q36.3.
Variant type: single nucleotide variant.
Molecular consequence: intron variant (on NM_022458.4).
Genome position: GRCh38 VCF-style: chr7-156795993-C-G. GRCh37 (hg19) VCF-style: chr7-156588687-C-G.
Other names: c.360+396G>C (NM_001363412.2); c.144+396G>C (NM_001350954.2); c.423+396G>C (NM_001363410.2, NM_022458.4, NM_001363409.2 and 1 more transcripts); c.-112+396G>C (NM_001350958.2, NM_001350956.2, NM_001350955.2 and 1 more transcripts); c.54+396G>C (NM_001350957.2, NM_001363411.2).
Identifiers: ClinVar variation 2879058 (VCV002879058.3), dbSNP rs1346077927, ClinGen allele CA835807084.

ClinVar aggregate classification (germline): Uncertain significance (1 of 4 stars; one submission).

Conditions:
Holoprosencephaly 3 (HPE3). Identifiers: Orphanet 2162, MedGen C1840529, MONDO:0007733, OMIM 142945.

Allele frequency attached by ClinVar (database versions not stated): TOPMed below 0.00001.

Submission:

Labcorp Genetics (formerly Invitae), Labcorp
Classification: Uncertain significance for Holoprosencephaly 3. Last evaluated: 2024-01-25. Review status: criteria provided, single submitter. Criteria: Invitae Variant Classification Sherloc (09022015). Collection method: clinical testing. Allele origin: germline.
Comment: This variant occurs in a non-coding region of the SHH gene. It does not change the encoded amino acid sequence of the SHH protein. This variant is not present in population databases (gnomAD no frequency). This variant has not been reported in the literature in individuals affected with SHH-related conditions. Experimental studies and prediction algorithms are not available or were not evaluated, and the effect of this variant on mRNA splicing is currently unknown. In summary, the available evidence is currently insufficient to determine the role of this variant in disease. Therefore, it has been classified as a Variant of Uncertain Significance.